The following is an entry in ClinVar:

ClinVar aggregate classification (germline): Likely benign (1 of 4 stars; one submission).

gnomAD v4.1: 20 of 1,613,954 alleles (0.0012%); highest among the groups gnomAD compares: South Asian, 0.0044%; no homozygotes.

Submission:

CeGaT Center for Human Genetics Tuebingen
Classification: Likely benign. Last evaluated: 2025-08-01. Review status: criteria provided, single submitter. Criteria: CeGaT Center For Human Genetics Tuebingen Variant Classification Criteria Version 2. Collection method: clinical testing. Allele origin: germline. Affected: yes. Observed: 1 variant allele.
Comment: XPO5: BP4, BP7

NM_020750.3(XPO5):c.3258C>T (p.His1086=)

Genes: POLR1C (RNA polymerase I and III subunit C; plus strand), XPO5 (exportin 5; minus strand). Cytogenetic location: 6p21.1.
Variant type: single nucleotide variant.
Coding change: c.3258C>T on transcript NM_020750.3 (MANE Select); coding-DNA position 3258, C replaced by T.
Protein change: p.His1086=; no amino-acid change (histidine 1086 retained).
Molecular consequence: synonymous variant. On other transcripts: non-coding transcript variant (1), intron variant (2).
Genome position (GRCh38, 1-based): chr6:43,524,885, G>A on the plus strand (C>T on the coding strand, the complement: XPO5 is on the minus strand). VCF-style: chr6-43524885-G-A. GRCh37 (hg19) VCF-style: chr6-43492623-G-A.
Other names: c.922+3837G>A (NM_001363658.2, NM_001318876.2).
Identifiers: ClinVar variation 4085937 (VCV004085937.8).